The following is an entry in ClinVar:

NM_001134363.3(RBM20):c.1370A>G (p.Glu457Gly)

Gene: RBM20 (RNA binding motif protein 20; plus strand). Cytogenetic location: 10q25.2.
Variant type: single nucleotide variant.
Coding change: c.1370A>G on transcript NM_001134363.3 (MANE Select); coding-DNA position 1370, A replaced by G.
Protein change: p.Glu457Gly; replaces glutamic acid 457 with glycine.
Molecular consequence: missense variant.
Genome position (GRCh38, 1-based): chr10:110,784,373, A>G. VCF-style: chr10-110784373-A-G. GRCh37 (hg19) VCF-style: chr10-112544131-A-G.
Other names: short protein forms E457G.
Identifiers: ClinVar variation 3313237 (VCV003313237.2).
Genomic context (GRCh38, chr10:110,784,373, plus strand): 5'-GCCGGTTTCCCTTTCTCGCCCTCTCCAGTGCTGGCATCCGGTGTATACTTGGTTCGGCAG[A>G]GGGAACATTGTGTGCTTCTCCCAACAGCACAGCTGTTTATAACCCTGCTGGGAATGAAGG-3'
Protein context (NP_001127835.2, residues 447-467): AGIRCILGSA[Glu457Gly]GTLCASPNST

ClinVar aggregate classification (germline): Uncertain significance. Review status: criteria provided, multiple submitters, no conflicts (2 of 4 stars). 2 submissions from 2 submitters: Uncertain significance (2). Last evaluated 2024-12-20.

Conditions:
Cardiovascular phenotype. Identifiers: MedGen CN230736.

gnomAD v4.1: 1 of 1,551,384 alleles (0.000064%); highest among the groups gnomAD compares: East Asian, 0.0024%; no homozygotes.

Submissions (2):

Women's Health and Genetics/Laboratory Corporation of America, LabCorp
Classification: Uncertain significance. Last evaluated: 2024-12-20. Review status: criteria provided, single submitter. Criteria: LabCorp Variant Classification Summary - May 2015. Collection method: clinical testing. Allele origin: germline.
Comment: Variant summary: RBM20 c.1370A>G (p.Glu457Gly) results in a non-conservative amino acid change in the encoded protein sequence. Four of five in-silico tools predict a damaging effect of the variant on protein function. The variant allele was found at a frequency of 6.5e-06 in 153924 control chromosomes. The available data on variant occurrences in the general population are insufficient to allow any conclusion about variant significance. To our knowledge, no occurrence of c.1370A>G in individuals affected with Dilated Cardiomyopathy and no experimental evidence demonstrating its impact on protein function have been reported. ClinVar contains an entry for this variant (Variation ID: 3313237). Based on the evidence outlined above, the variant was classified as uncertain significance.

Ambry Genetics
Classification: Uncertain significance for Cardiovascular phenotype. Last evaluated: 2024-06-07. Review status: criteria provided, single submitter. Criteria: Ambry Variant Classification Scheme 2023. Collection method: clinical testing. Allele origin: germline.
Comment: The p.E457G variant (also known as c.1370A>G), located in coding exon 4 of the RBM20 gene, results from an A to G substitution at nucleotide position 1370. The glutamic acid at codon 457 is replaced by glycine, an amino acid with similar properties. This amino acid position is conserved. In addition, the in silico prediction for this alteration is inconclusive. Based on the available evidence, the clinical significance of this variant remains unclear.